The following is an entry in ClinVar:

ClinVar aggregate classification (germline): Uncertain significance (1 of 4 stars; one submission).

Submission:

Labcorp Genetics (formerly Invitae), Labcorp
Classification: Uncertain significance. Last evaluated: 2023-07-25. Review status: criteria provided, single submitter. Criteria: Invitae Variant Classification Sherloc (09022015). Collection method: clinical testing. Allele origin: germline.
Comment: In summary, the available evidence is currently insufficient to determine the role of this variant in disease. Therefore, it has been classified as a Variant of Uncertain Significance. This sequence change replaces glycine, which is neutral and non-polar, with serine, which is neutral and polar, at codon 279 of the LTBP4 protein (p.Gly279Ser). This variant is not present in population databases (gnomAD no frequency). This variant has not been reported in the literature in individuals affected with LTBP4-related conditions. Experimental studies and prediction algorithms are not available or were not evaluated, and the functional significance of this variant is currently unknown.

NM_001042545.2(LTBP4):c.745G>A (p.Gly249Ser)

Genes: LTBP4 (latent transforming growth factor beta binding protein 4; plus strand), LOC130064475 (ATAC-STARR-seq lymphoblastoid silent region 10639; plus strand). Cytogenetic location: 19q13.2.
Variant type: single nucleotide variant.
Coding change: c.745G>A on transcript NM_001042545.2 (MANE Select); coding-DNA position 745, G replaced by A.
Protein change: p.Gly249Ser; replaces glycine 249 with serine.
Molecular consequence: missense variant.
Genome position (GRCh38, 1-based): chr19:40,605,783, G>A. VCF-style: chr19-40605783-G-A. GRCh37 (hg19) VCF-style: chr19-41111689-G-A.
Other names: c.946G>A, p.Gly316Ser (NM_001042544.1); c.835G>A, p.Gly279Ser (NM_003573.2); short protein forms G279S, G316S, G249S.
Identifiers: ClinVar variation 2746925 (VCV002746925.3), dbSNP rs2515345806, ClinGen allele CA405933967.
Genomic context (GRCh38, chr19:40,605,783, plus strand): 5'-CCGCAGTGCGCGTCCCCGCTGCCCGGGCTCCGGACGCAGGAGGTCTGCTGCCGAGGGGCC[G>A]GCTTGGCCTGGGGCGTTCACGACTGTCAGCTGTGCTCCGAGCGCCTGGGTAAGCCCCAGG-3'
Protein context (NP_001036010.1, residues 239-259): RTQEVCCRGA[Gly249Ser]LAWGVHDCQL